The following is an entry in ClinVar:

NM_138387.4(G6PC3):c.210del (p.Phe71fs)

Genes: G6PC3 (glucose-6-phosphatase catalytic subunit 3; plus strand), LOC130060959 (ATAC-STARR-seq lymphoblastoid active region 12250; plus strand). Cytogenetic location: 17q21.31.
Variant type: Deletion.
Coding change: c.210del on transcript NM_138387.4 (MANE Select); coding-DNA position 210, one base deleted (C; older notation c.210delC).
Protein change: p.Phe71fs; shifts the reading frame from phenylalanine 71.
Molecular consequence: frameshift variant. On other transcripts: 5 prime UTR variant (3), intron variant (1).
Genome position (GRCh38, 1-based): chr17:44,071,175, C deleted. VCF-style (leftmost placement, unchanged base first): chr17-44071174-TC-T. GRCh37 (hg19) VCF-style: chr17-42148542-TC-T.
Other names: c.210del, p.Phe71fs (NM_001319945.2); c.-195del (NM_001384165.1); c.-330del (NM_001384166.1); c.-320del (NM_001384167.1); c.-311-453del (NM_001384168.1); c.210delC (NM_138387.3); short protein forms F71fs.
Identifiers: ClinVar variation 189782 (VCV000189782.19), dbSNP rs769441127, ClinGen allele CA347175.

ClinVar aggregate classification (germline): Pathogenic. Review status: criteria provided, multiple submitters, no conflicts (2 of 4 stars). 6 submissions from 6 submitters: Pathogenic (4). 2 of the submissions do not count toward it. Last evaluated 2025-12-29.

Conditions:
G6PC3-related disorder. Also called: G6PC3-related condition.
Autosomal recessive severe congenital neutropenia due to G6PC3 deficiency. Also called: NEUTROPENIA, SEVERE CONGENITAL, 4, AUTOSOMAL RECESSIVE; G6PC3 Deficiency. Identifiers: Orphanet 331176, MedGen C2751630, MONDO:0012930, OMIM 612541.

Allele frequency attached by ClinVar (database versions not stated): gnomAD 0.00001 and 0.00002; gnomAD exomes 0.00002 and 0.00011; TOPMed 0.00004; ExAC 0.00018; 1000 Genomes Project 30x 0.00031.

Submissions (6):

GeneDx
Classification: Pathogenic. Last evaluated: 2025-12-29. Review status: criteria provided, single submitter. Criteria: GeneDx Variant Classification Process June 2021. Collection method: clinical testing. Allele origin: germline. Affected: yes.
Comment: Frameshift variant predicted to result in protein truncation or nonsense mediated decay in a gene for which loss of function is a known mechanism of disease; This variant is associated with the following publications: (PMID: 22050868, 27577878, 36546889, 34964150, 19775295)

Labcorp Genetics (formerly Invitae), Labcorp
Classification: Pathogenic for Autosomal recessive severe congenital neutropenia due to G6PC3 deficiency. Last evaluated: 2025-11-25. Review status: criteria provided, single submitter. Criteria: Invitae Variant Classification Sherloc (09022015). Collection method: clinical testing. Allele origin: germline.
Comment: This sequence change creates a premature translational stop signal (p.Phe71Serfs*46) in the G6PC3 gene. It is expected to result in an absent or disrupted protein product. Loss-of-function variants in G6PC3 are known to be pathogenic (PMID: 19118303, 25491320). This variant is present in population databases (rs769441127, gnomAD 0.08%). This premature translational stop signal has been observed in individual(s) with congenital neutropenia (PMID: 19775295, 22050868, 27577878). This variant is also known as I70fsX115 and Ile70fsX46. ClinVar contains an entry for this variant (Variation ID: 189782). For these reasons, this variant has been classified as Pathogenic.

PreventionGenetics, part of Exact Sciences
Classification: Pathogenic for G6PC3-related condition. Last evaluated: 2025-07-14. Review status: criteria provided, single submitter. Criteria: ACMG Guidelines, 2015. Collection method: clinical testing. Allele origin: germline.
Comment: The G6PC3 c.210delC variant is predicted to result in a frameshift and premature protein termination (p.Phe71Serfs*46). This variant has been reported in individuals with congenital neutropenia (Table S2, reported as p.I70IfsX115, Xia et al. 2009. PubMed ID: 19775295; Banka et al. 2013. PubMed ID: 23758768; Table E1, Stray-Pedersen et al. 2016. PubMed ID: 27577878). This variant is reported in 0.081% of alleles in individuals of Latino descent in gnomAD. Frameshift variants in G6PC3 are expected to be pathogenic. This variant is interpreted as pathogenic.

3billion
Classification: Pathogenic for Autosomal recessive severe congenital neutropenia due to G6PC3 deficiency. Last evaluated: 2025-05-15. Review status: criteria provided, single submitter. Criteria: ACMG Guidelines, 2015. Collection method: clinical testing. Allele origin: germline. Affected: yes.
Comment: The variant is observed at an extremely low frequency in the gnomAD v4.1.0 dataset (total allele frequency: 0.002%). Predicted Consequence/Location: Frameshift: predicted to result in a loss or disruption of normal protein function through nonsense-mediated decay (NMD) or protein truncation. Multiple pathogenic variants are reported downstream of the variant. The variant has been reported at least twice as pathogenic with clinical assertions and evidence for the classification (ClinVar ID: VCV000189782 /PMID: 19775295 /3billion dataset). Therefore, this variant is classified as Pathogenic according to the recommendation of ACMG/AMP guideline.

Laboratory of Research in Genomics, Genetics and Bioinformatics, Hospital Infantil de Mexico Federico Gomez
Classification: Pathogenic for Autosomal recessive severe congenital neutropenia due to G6PC3 deficiency. Last evaluated: 2025-04-08. Review status: no assertion criteria provided. Collection method: research. Allele origin: germline. Affected: yes. Not counted in ClinVar's aggregate classification.

GeneReviews
No classification provided. Condition: Autosomal recessive severe congenital neutropenia due to G6PC3 deficiency. Review status: no classification provided. Collection method: literature only. Allele origin: germline. Affected: yes. Not counted in ClinVar's aggregate classification.

Literature cited by the submitters: PubMed 19118303 (cited by Labcorp Genetics (formerly Invitae), Labcorp); PubMed 25491320 (cited by Labcorp Genetics (formerly Invitae), Labcorp); PubMed 19775295 (cited by Labcorp Genetics (formerly Invitae), Labcorp and 3billion); PubMed 22050868 (cited by Labcorp Genetics (formerly Invitae), Labcorp); PubMed 27577878 (cited by Labcorp Genetics (formerly Invitae), Labcorp); PubMed 23758768 (cited by GeneReviews); NCBI Bookshelf NBK285321 (cited by GeneReviews).